The following is an entry in ClinVar:

NM_001903.5(CTNNA1):c.1160T>C (p.Met387Thr)

Gene: CTNNA1 (catenin alpha 1; plus strand). Cytogenetic location: 5q31.2.
Variant type: single nucleotide variant.
Coding change: c.1160T>C on transcript NM_001903.5 (MANE Select); coding-DNA position 1160, T replaced by C.
Protein change: p.Met387Thr; replaces methionine 387 with threonine.
Molecular consequence: missense variant. On other transcripts: 5 prime UTR variant (5), intron variant (2).
Genome position (GRCh38, 1-based): chr5:138,887,506, T>C. VCF-style: chr5-138887506-T-C. GRCh37 (hg19) VCF-style: chr5-138223195-T-C.
Other names: c.1160T>C, p.Met387Thr (NM_001290307.3, NM_001323982.2, NM_001323983.1 and 3 more transcripts); c.851T>C, p.Met284Thr (NM_001290309.3); c.791T>C, p.Met264Thr (NM_001290310.3); c.50T>C, p.Met17Thr (NM_001290312.1, NM_001323987.1, NM_001323988.1 and 18 more transcripts); c.-348T>C (NM_001324006.1, NM_001324007.1, NM_001324008.1 and 1 more transcripts); c.-223T>C (NM_001324013.1); c.-58+11909T>C (NM_001324012.1); c.-61+11909T>C (NM_001324010.1); short protein forms M387T, M264T, M17T, M284T.
Identifiers: ClinVar variation 1736672 (VCV001736672.4), dbSNP rs2533012221, ClinGen allele CA361132965.

ClinVar aggregate classification (germline): Uncertain significance. Review status: criteria provided, multiple submitters, no conflicts (2 of 4 stars). 3 submissions from 3 submitters: Uncertain significance (3). Last evaluated 2025-12-16.

Conditions:
Hereditary cancer-predisposing syndrome. Also called: Hereditary Cancer Syndrome; Hereditary neoplastic syndrome; Neoplastic Syndromes, Hereditary; Tumor predisposition. Identifiers: Orphanet 140162, MedGen C0027672, MeSH D009386, MONDO:0015356.

Submissions (3):

Labcorp Genetics (formerly Invitae), Labcorp
Classification: Uncertain significance. Last evaluated: 2025-12-16. Review status: criteria provided, single submitter. Criteria: Invitae Variant Classification Sherloc (09022015). Collection method: clinical testing. Allele origin: germline.
Comment: This sequence change replaces methionine, which is neutral and non-polar, with threonine, which is neutral and polar, at codon 387 of the CTNNA1 protein (p.Met387Thr). This variant is not present in population databases (gnomAD no frequency). This variant has not been reported in the literature in individuals affected with CTNNA1-related conditions. ClinVar contains an entry for this variant (Variation ID: 1736672). Invitae Evidence Modeling of protein sequence and biophysical properties (such as structural, functional, and spatial information, amino acid conservation, physicochemical variation, residue mobility, and thermodynamic stability) has been performed for this missense variant. However, the output from this modeling did not meet the statistical confidence thresholds required to predict the impact of this variant on CTNNA1 protein function. In summary, the available evidence is currently insufficient to determine the role of this variant in disease. Therefore, it has been classified as a Variant of Uncertain Significance.

Blueprint Genetics
Classification: Uncertain significance. Last evaluated: 2023-11-27. Review status: criteria provided, single submitter. Criteria: ACMG Guidelines, 2015. Collection method: clinical testing. Allele origin: germline.

Ambry Genetics
Classification: Uncertain significance for Hereditary cancer-predisposing syndrome. Last evaluated: 2020-12-11. Review status: criteria provided, single submitter. Criteria: Ambry Variant Classification Scheme 2023. Collection method: clinical testing. Allele origin: germline.
Comment: The p.M387T variant (also known as c.1160T>C), located in coding exon 8 of the CTNNA1 gene, results from a T to C substitution at nucleotide position 1160. The methionine at codon 387 is replaced by threonine, an amino acid with similar properties. This amino acid position is highly conserved in available vertebrate species. In addition, the in silico prediction for this alteration is inconclusive. Since supporting evidence is limited at this time, the clinical significance of this alteration remains unclear.